The following is an entry in ClinVar:

ClinVar aggregate classification (germline): Uncertain significance. Review status: criteria provided, multiple submitters, no conflicts (2 of 4 stars). 2 submissions from 2 submitters: Uncertain significance (2). Last evaluated 2025-09-26.

Allele frequency attached by ClinVar (database versions not stated): gnomAD 0.00001; gnomAD exomes 0.00001; TOPMed 0.00001; ExAC 0.00002; ESP Exome Variant Server 0.00015.
gnomAD v4.1: 13 of 1,614,046 alleles (0.00081%); highest among the groups gnomAD compares: Non-Finnish European, 0.0011%; no homozygotes.

Submissions (2):

Ambry Genetics
Classification: Uncertain significance. Last evaluated: 2025-09-26. Review status: criteria provided, single submitter. Criteria: Ambry Variant Classification Scheme 2023. Collection method: clinical testing. Allele origin: germline.

Labcorp Genetics (formerly Invitae), Labcorp
Classification: Uncertain significance. Last evaluated: 2023-10-05. Review status: criteria provided, single submitter. Criteria: Invitae Variant Classification Sherloc (09022015). Collection method: clinical testing. Allele origin: germline.
Comment: This sequence change replaces proline, which is neutral and non-polar, with threonine, which is neutral and polar, at codon 280 of the BACH2 protein (p.Pro280Thr). This variant is present in population databases (rs371070363, gnomAD 0.003%). This variant has not been reported in the literature in individuals affected with BACH2-related conditions. ClinVar contains an entry for this variant (Variation ID: 1950252). Advanced modeling of protein sequence and biophysical properties (such as structural, functional, and spatial information, amino acid conservation, physicochemical variation, residue mobility, and thermodynamic stability) performed at Invitae indicates that this missense variant is not expected to disrupt BACH2 protein function. In summary, the available evidence is currently insufficient to determine the role of this variant in disease. Therefore, it has been classified as a Variant of Uncertain Significance.

NM_021813.4(BACH2):c.838C>A (p.Pro280Thr)

Gene: BACH2 (BACH transcriptional regulator 2; minus strand). Cytogenetic location: 6q15.
Variant type: single nucleotide variant.
Coding change: c.838C>A on transcript NM_021813.4 (MANE Select); coding-DNA position 838, C replaced by A.
Protein change: p.Pro280Thr; replaces proline 280 with threonine.
Molecular consequence: missense variant.
Genome position (GRCh38, 1-based): chr6:89,951,268, G>T on the plus strand (C>A on the coding strand, the complement: BACH2 is on the minus strand). VCF-style: chr6-89951268-G-T. GRCh37 (hg19) VCF-style: chr6-90660987-G-T.
Other names: c.838C>A (NM_021813.2); c.838C>A, p.Pro280Thr (NM_001170794.2); short protein forms P280T.
Identifiers: ClinVar variation 1950252 (VCV001950252.6), dbSNP rs371070363, ClinGen allele CA3928102.